The following is an entry in ClinVar:

ClinVar aggregate classification (germline): Uncertain significance (1 of 4 stars; one submission).

Conditions:
Monogenic diabetes. Identifiers: Orphanet 183625, MedGen C3888631, MONDO:0015967.

Allele frequency attached by ClinVar (database versions not stated): TOPMed below 0.00001; ExAC 0.00001; gnomAD 0.00001; gnomAD exomes 0.00001.
gnomAD v4.1: 8 of 1,614,018 alleles (0.0005%); highest among the groups gnomAD compares: Non-Finnish European, 0.00068%; no homozygotes.

Submission:

Personalized Diabetes Medicine Program, University of Maryland School of Medicine
Classification: Uncertain significance for Monogenic diabetes. Last evaluated: 2018-01-12. Review status: criteria provided, single submitter. Criteria: ACMG Guidelines, 2015. Collection method: research. Allele origin: unknown. Observed: 1 variant allele, 1 heterozygote.
Comment: ACMG criteria: PP3 (4 predictors), BP4 (6 predictors), PM2 (1 in ExAC for AR)=VUS

NM_004836.7(EIF2AK3):c.833T>A (p.Phe278Tyr)

Gene: EIF2AK3 (eukaryotic translation initiation factor 2 alpha kinase 3; minus strand). Cytogenetic location: 2p11.2.
Variant type: single nucleotide variant.
Coding change: c.833T>A on transcript NM_004836.7 (MANE Select); coding-DNA position 833, T replaced by A.
Protein change: p.Phe278Tyr; replaces phenylalanine 278 with tyrosine.
Molecular consequence: missense variant.
Genome position (GRCh38, 1-based): chr2:88,590,987, A>T on the plus strand (T>A on the coding strand, the complement: EIF2AK3 is on the minus strand). VCF-style: chr2-88590987-A-T. GRCh37 (hg19) VCF-style: chr2-88890505-A-T.
Other names: c.380T>A, p.Phe127Tyr (NM_001313915.2); short protein forms F127Y, F278Y.
Identifiers: ClinVar variation 917439 (VCV000917439.2), dbSNP rs756231274, ClinGen allele CA1754828.